The following is an entry in ClinVar:

ClinVar aggregate classification (germline): Uncertain significance (1 of 4 stars; one submission).

Conditions:
Congenital myopathy with internal nuclei and atypical cores. Also called: Myopathy, centronuclear, 4. Identifiers: Orphanet 319160, MedGen C4707232, MONDO:0013890, OMIM 614807.

Allele frequency attached by ClinVar (database versions not stated): TOPMed below 0.00001; gnomAD 0.00001.

Submission:

Labcorp Genetics (formerly Invitae), Labcorp
Classification: Uncertain significance for Congenital myopathy with internal nuclei and atypical cores. Last evaluated: 2022-11-28. Review status: criteria provided, single submitter. Criteria: Invitae Variant Classification Sherloc (09022015). Collection method: clinical testing. Allele origin: germline.
Comment: This sequence change replaces proline, which is neutral and non-polar, with serine, which is neutral and polar, at codon 14 of the CCDC78 protein (p.Pro14Ser). This variant is not present in population databases (gnomAD no frequency). This variant has not been reported in the literature in individuals affected with CCDC78-related conditions. ClinVar contains an entry for this variant (Variation ID: 968194). Algorithms developed to predict the effect of missense changes on protein structure and function output the following: SIFT: "Tolerated"; PolyPhen-2: "Benign"; Align-GVGD: "Class C0". The serine amino acid residue is found in multiple mammalian species, which suggests that this missense change does not adversely affect protein function. In summary, the available evidence is currently insufficient to determine the role of this variant in disease. Therefore, it has been classified as a Variant of Uncertain Significance.

NM_001378030.1(CCDC78):c.40C>T (p.Pro14Ser)

Gene: CCDC78 (coiled-coil domain containing 78; minus strand). Cytogenetic location: 16p13.3.
Variant type: single nucleotide variant.
Coding change: c.40C>T on transcript NM_001378030.1 (MANE Select); coding-DNA position 40, C replaced by T.
Protein change: p.Pro14Ser; replaces proline 14 with serine.
Molecular consequence: missense variant. On other transcripts: non-coding transcript variant (3), intron variant (1).
Genome position (GRCh38, 1-based): chr16:726,328, G>A on the plus strand (C>T on the coding strand, the complement: CCDC78 is on the minus strand). VCF-style: chr16-726328-G-A. GRCh37 (hg19) VCF-style: chr16-776328-G-A.
Other names: c.40C>T, p.Pro14Ser (NM_001031737.3, NM_001378031.1); c.-225-243C>T (NM_001378033.1); short protein forms P14S.
Identifiers: ClinVar variation 968194 (VCV000968194.7), dbSNP rs2040942356, ClinGen allele CA394106322.